The following is an entry in ClinVar:

NM_019055.6(ROBO4):c.843G>A (p.Thr281=)

Gene: ROBO4 (roundabout guidance receptor 4; minus strand). Cytogenetic location: 11q24.2.
Variant type: single nucleotide variant.
Coding change: c.843G>A on transcript NM_019055.6 (MANE Select); coding-DNA position 843, G replaced by A.
Protein change: p.Thr281=; no amino-acid change (threonine 281 retained).
Molecular consequence: synonymous variant.
Genome position (GRCh38, 1-based): chr11:124,895,650, C>T on the plus strand (G>A on the coding strand, the complement: ROBO4 is on the minus strand). VCF-style: chr11-124895650-C-T. GRCh37 (hg19) VCF-style: chr11-124765546-C-T.
Other names: c.408G>A, p.Thr136= (NM_001301088.2).
Identifiers: ClinVar variation 3050364 (VCV003050364.2), dbSNP rs138055137, ClinGen allele CA6345151.

ClinVar aggregate classification (germline): Likely benign (0 of 4 stars; one submission).

Conditions:
ROBO4-related disorder. Also called: ROBO4-related condition.

Allele frequency attached by ClinVar (database versions not stated): 1000 Genomes Project 0.00080; gnomAD 0.00080; ESP Exome Variant Server 0.00093; 1000 Genomes Project 30x 0.00094.
gnomAD v4.1: 318 of 1,613,648 alleles (0.02%); highest among the groups gnomAD compares: African/African-American, 0.29%; 1 homozygote.

Submission:

PreventionGenetics, part of Exact Sciences
Classification: Likely benign for ROBO4-related condition. Last evaluated: 2020-04-01. Review status: no assertion criteria provided. Collection method: clinical testing. Allele origin: germline.
Comment: This variant is classified as likely benign based on ACMG/AMP sequence variant interpretation guidelines (Richards et al. 2015 PMID: 25741868, with internal and published modifications).